The following continues an entry in ClinVar:

NM_001048174.2(MUTYH):c.487C>T (p.Arg163Trp)

Gene: MUTYH. ClinVar aggregate classification (germline): Uncertain significance. Uncertain significance (12).

Submissions 9 to 13 of 13:

Color Diagnostics, LLC DBA Color Health
Classification: Uncertain significance for Hereditary cancer-predisposing syndrome. Last evaluated: 2023-04-24. Review status: criteria provided, single submitter. Criteria: ACMG Guidelines, 2015. Collection method: clinical testing. Allele origin: germline.
Comment: This missense variant replaces arginine with tryptophan at codon 191 of the MUTYH protein. This variant is also known as NM_001048171.1:c.529C>T (p.Arg177Trp) in the literature. Computational prediction is inconclusive regarding the impact of this variant on protein structure and function (internally defined REVEL score threshold 0.5 < inconclusive < 0.7, PMID: 27666373). To our knowledge, functional studies have not been reported for this variant. This variant has been reported in individuals affected with colorectal cancer (PMID: 18294051) or breast cancer (PMID: 31742824, 33471991). In a large international case-control meta-analysis, this variant was reported in 2/60466 breast cancer cases and absent in 53461 controls (PMID: 33471991). This variant has been identified in 3/251480 chromosomes in the general population by the Genome Aggregation Database (gnomAD). The available evidence is insufficient to determine the role of this variant in disease conclusively. Therefore, this variant is classified as a Variant of Uncertain Significance.

MGZ Medical Genetics Center
Classification: Uncertain significance for Familial adenomatous polyposis 2. Last evaluated: 2021-12-23. Review status: criteria provided, single submitter. Criteria: ACMG Guidelines, 2015. Collection method: clinical testing. Allele origin: germline. Affected: yes. Observed: 1 variant allele.
Comment: ACMG criteria applied: PM1, PM2_SUP, PP3

Sema4
Classification: Uncertain significance for Hereditary cancer-predisposing syndrome. Last evaluated: 2021-06-24. Review status: criteria provided, single submitter. Criteria: Sema4 Curation Guidelines. Collection method: curation. Allele origin: germline.
Comment: The MUTYH c.571C>T (p.R191W) variant has been reported in at least one individual with early onset colorectal cancer and in at least three individuals with a personal/family history of breast and/or ovarian cancer (PMID: 18294051, 31742824, 33471991). It was observed in 1/16248 chromosomes of the African/African American subpopulation in the large and broad cohorts of the Genome Aggregation Database (PMID: 32461654). The variant has been reported in ClinVar (Variation ID: 186056). In silico tools suggest the impact of the variant on protein function is inconclusive, though these predictions have not been confirmed by functional studies. The evidence is insufficient to meet ACMG/AMP criteria for classifying the variant as benign or pathogenic. Thus, the clinical significance of this variant is currently uncertain.

Department of Pathology and Laboratory Medicine, Sinai Health System
Classification: Uncertain significance for Familial adenomatous polyposis 2; Gastric cancer. Last evaluated: 2020-11-09. Review status: criteria provided, single submitter. Criteria: ACMG Guidelines, 2015. Collection method: clinical testing. Allele origin: germline. Affected: no.

Counsyl
Classification: Uncertain significance for Familial adenomatous polyposis 2. Last evaluated: 2018-01-22. Review status: no assertion criteria provided. Collection method: clinical testing. Allele origin: unknown. Not counted in ClinVar's aggregate classification.

Literature cited by the submitters: PubMed 18294051 (cited by 8 submitters); PubMed 31742824 (cited by 6 submitters); PubMed 33471991 (cited by 3 submitters); PubMed 28491533 (cited by Women's Health and Genetics/Laboratory Corporation of America, LabCorp).